The following is an entry in ClinVar:

ClinVar aggregate classification (germline): Uncertain significance. Review status: criteria provided, single submitter (1 of 4 stars). 2 submissions from 2 submitters: Uncertain significance (1). 1 of the submissions does not count toward it. Last evaluated 2020-10-29.

Conditions:
Inborn genetic diseases. Identifiers: MedGen C0950123, MeSH D030342.
HOXA1-related syndrome. Also called: Human HOXA1 syndromes; HOXA1-related condition; HOXA1-related disorder; HOXA1-Related Disorders. Identifiers: MedGen CN381531, MONDO:0011099.

Allele frequency attached by ClinVar (database versions not stated): ExAC 0.00006; TOPMed 0.00008; gnomAD 0.00011; gnomAD exomes 0.00016.

Submissions (2):

Ambry Genetics
Classification: Uncertain significance for Inborn genetic diseases. Last evaluated: 2020-10-29. Review status: criteria provided, single submitter. Criteria: Ambry Variant Classification Scheme 2023. Collection method: clinical testing. Allele origin: germline.
Comment: The c.548T>C (p.L183P) alteration is located in exon 1 (coding exon 1) of the HOXA1 gene. This alteration results from a T to C substitution at nucleotide position 548, causing the leucine (L) at amino acid position 183 to be replaced by a proline (P). Based on data from the Genome Aggregation Database (gnomAD) database, the HOXA1 c.548T>C alteration was observed in 0.007% (20/282788) of total alleles studied, with a frequency of 0.01% (19/129158) in the European (non-Finnish) subpopulation. This amino acid position is highly conserved in available vertebrate species. The p.L183P alteration is predicted to be tolerated by in silico analysis. Based on insufficient or conflicting evidence, the clinical significance of this alteration remains unclear.

PreventionGenetics, part of Exact Sciences
Classification: Uncertain significance for HOXA1-related condition. Last evaluated: 2024-07-12. Review status: no assertion criteria provided. Collection method: clinical testing. Allele origin: germline. Not counted in ClinVar's aggregate classification.
Comment: The HOXA1 c.548T>C variant is predicted to result in the amino acid substitution p.Leu183Pro. To our knowledge, this variant has not been reported in the literature. This variant is reported in 0.015% of alleles in individuals of European (Non-Finnish) descent in gnomAD. At this time, the clinical significance of this variant is uncertain due to the absence of conclusive functional and genetic evidence.

NM_005522.5(HOXA1):c.548T>C (p.Leu183Pro)

Gene: HOXA1 (homeobox A1; minus strand). Cytogenetic location: 7p15.2.
Variant type: single nucleotide variant.
Coding change: c.548T>C on transcript NM_005522.5 (MANE Select); coding-DNA position 548, T replaced by C.
Protein change: p.Leu183Pro; replaces leucine 183 with proline.
Molecular consequence: missense variant. On other transcripts: intron variant (1).
Genome position (GRCh38, 1-based): chr7:27,095,365, A>G on the plus strand (T>C on the coding strand, the complement: HOXA1 is on the minus strand). VCF-style: chr7-27095365-A-G. GRCh37 (hg19) VCF-style: chr7-27134984-A-G.
Other names: c.355-10T>C (NM_153620.3); short protein forms L183P.
Identifiers: ClinVar variation 2358398 (VCV002358398.3), dbSNP rs778859864, ClinGen allele CA4195920.